The following is an entry in ClinVar:

ClinVar aggregate classification (germline): Uncertain significance (1 of 4 stars; one submission).

Conditions:
Inborn genetic diseases. Identifiers: MedGen C0950123, MeSH D030342.

Submission:

Ambry Genetics
Classification: Uncertain significance for Inborn genetic diseases. Last evaluated: 2026-03-23. Review status: criteria provided, single submitter. Criteria: Ambry Variant Classification Scheme 2023. Collection method: clinical testing. Allele origin: germline.
Comment: The p.A26S variant (also known as c.76G>T), located in coding exon 2 of the ERCC6L2 gene, results from a G to T substitution at nucleotide position 76. The alanine at codon 26 is replaced by serine, an amino acid with similar properties. This amino acid position is conserved. In addition, this alteration is predicted to be tolerated by in silico analysis. Based on the available evidence, the clinical significance of this variant remains unclear.

NM_020207.7(ERCC6L2):c.76G>T (p.Ala26Ser)

Gene: ERCC6L2 (ERCC excision repair 6 like 2; plus strand). Cytogenetic location: 9q22.32.
Variant type: single nucleotide variant.
Coding change: c.76G>T on transcript NM_020207.7 (MANE Select); coding-DNA position 76, G replaced by T.
Protein change: p.Ala26Ser; replaces alanine 26 with serine.
Molecular consequence: missense variant. On other transcripts: non-coding transcript variant (1).
Genome position (GRCh38, 1-based): chr9:95,880,898, G>T. VCF-style: chr9-95880898-G-T. GRCh37 (hg19) VCF-style: chr9-98643180-G-T.
Other names: c.76G>T, p.Ala26Ser (NM_001010895.4, NM_001375291.1, NM_001375292.1 and 2 more transcripts); short protein forms A26S.
Identifiers: ClinVar variation 4870574 (VCV004870574.1).